The following is an entry in ClinVar:

NM_001379291.1(BRD4):c.693C>G (p.Asp231Glu)

Gene: BRD4 (bromodomain containing 4; minus strand). Cytogenetic location: 19p13.12.
Variant type: single nucleotide variant.
Coding change: c.693C>G on transcript NM_001379291.1 (MANE Select); coding-DNA position 693, C replaced by G.
Protein change: p.Asp231Glu; replaces aspartic acid 231 with glutamic acid.
Molecular consequence: missense variant.
Genome position (GRCh38, 1-based): chr19:15,265,510, G>C on the plus strand (C>G on the coding strand, the complement: BRD4 is on the minus strand). VCF-style: chr19-15265510-G-C. GRCh37 (hg19) VCF-style: chr19-15376321-G-C.
Other names: c.693C>G, p.Asp231Glu (NM_001330384.2, NM_001379292.1, NM_014299.3 and 1 more transcripts); short protein forms D231E.
Identifiers: ClinVar variation 2800510 (VCV002800510.3), dbSNP rs2145603719, ClinGen allele CA404485138.

ClinVar aggregate classification (germline): Uncertain significance (1 of 4 stars; one submission).

Allele frequency attached by ClinVar (database versions not stated): gnomAD exomes below 0.00001.
gnomAD v4.1: 1 of 1,613,834 alleles (0.000062%); highest among the groups gnomAD compares: Admixed American, 0.0017%; no homozygotes.

Submission:

Labcorp Genetics (formerly Invitae), Labcorp
Classification: Uncertain significance. Last evaluated: 2023-05-30. Review status: criteria provided, single submitter. Criteria: Invitae Variant Classification Sherloc (09022015). Collection method: clinical testing. Allele origin: germline.
Comment: This sequence change replaces aspartic acid, which is acidic and polar, with glutamic acid, which is acidic and polar, at codon 231 of the BRD4 protein (p.Asp231Glu). This variant is not present in population databases (gnomAD no frequency). This variant has not been reported in the literature in individuals affected with BRD4-related conditions. Advanced modeling of protein sequence and biophysical properties (such as structural, functional, and spatial information, amino acid conservation, physicochemical variation, residue mobility, and thermodynamic stability) performed at Invitae indicates that this missense variant is not expected to disrupt BRD4 protein function. In summary, the available evidence is currently insufficient to determine the role of this variant in disease. Therefore, it has been classified as a Variant of Uncertain Significance.